The following is an entry in ClinVar:

ClinVar aggregate classification (germline): Uncertain significance (1 of 4 stars; one submission).

Conditions:
Hereditary cancer-predisposing syndrome. Also called: Tumor predisposition; Hereditary neoplastic syndrome; Hereditary Cancer Syndrome; Neoplastic Syndromes, Hereditary. Identifiers: Orphanet 140162, MedGen C0027672, MeSH D009386, MONDO:0015356.

Submission:

Ambry Genetics
Classification: Uncertain significance for Hereditary cancer-predisposing syndrome. Last evaluated: 2025-05-12. Review status: criteria provided, single submitter. Criteria: Ambry Variant Classification Scheme 2023. Collection method: clinical testing. Allele origin: germline.
Comment: The p.K311M variant (also known as c.932A>T), located in coding exon 8 of the STK11 gene, results from an A to T substitution at nucleotide position 932. The lysine at codon 311 is replaced by methionine, an amino acid with similar properties. This amino acid position is conserved. In addition, the in silico prediction for this alteration is inconclusive. Based on the available evidence, the clinical significance of this variant remains unclear.

NM_000455.5(STK11):c.932A>T (p.Lys311Met)

Gene: STK11 (serine/threonine kinase 11; plus strand). Cytogenetic location: 19p13.3.
Variant type: single nucleotide variant.
Coding change: c.932A>T on transcript NM_000455.5 (MANE Select); coding-DNA position 932, A replaced by T.
Protein change: p.Lys311Met; replaces lysine 311 with methionine.
Molecular consequence: missense variant. On other transcripts: non-coding transcript variant (1).
Genome position (GRCh38, 1-based): chr19:1,222,996, A>T. VCF-style: chr19-1222996-A-T. GRCh37 (hg19) VCF-style: chr19-1222995-A-T.
Other names: c.932A>T, p.Lys311Met (NM_001407255.1); short protein forms K311M.
Identifiers: ClinVar variation 3963269 (VCV003963269.1).
Genomic context (GRCh38, chr19:1,222,996, plus strand): 5'-CCGCCCTGGTGCCAGCCTGACAGGCGCCACTGCTTCTGGGCGTTTGCAGCTGGTTCCGGA[A>T]GAAACATCCTCCGGCTGAAGCACCAGTGCCCATCCCACCGAGCCCAGACACCAAGGACCG-3'
Protein context (NP_000446.1, residues 301-321): RQIRQHSWFR[Lys311Met]KHPPAEAPVP